The following is an entry in ClinVar:

NM_015272.5(RPGRIP1L):c.440A>T (p.Gln147Leu)

Gene: RPGRIP1L (RPGRIP1 like; minus strand). Cytogenetic location: 16q12.2.
Variant type: single nucleotide variant.
Coding change: c.440A>T on transcript NM_015272.5 (MANE Select); coding-DNA position 440, A replaced by T.
Protein change: p.Gln147Leu; replaces glutamine 147 with leucine.
Molecular consequence: missense variant.
Genome position (GRCh38, 1-based): chr16:53,692,155, T>A on the plus strand (A>T on the coding strand, the complement: RPGRIP1L is on the minus strand). VCF-style: chr16-53692155-T-A. GRCh37 (hg19) VCF-style: chr16-53726067-T-A.
Other names: c.440A>T, p.Gln147Leu (NM_001127897.4, NM_001308334.3, NM_001330538.2); short protein forms Q147L.
Identifiers: ClinVar variation 1373145 (VCV001373145.4), dbSNP rs2151352094, ClinGen allele CA395924802.

ClinVar aggregate classification (germline): Uncertain significance. Review status: criteria provided, multiple submitters, no conflicts (2 of 4 stars). 2 submissions from 2 submitters: Uncertain significance (2). Last evaluated 2024-02-14.

Conditions:
Meckel syndrome, type 5 (MKS5). Identifiers: Orphanet 564, MedGen C1969052, MONDO:0012695, OMIM 611561.
COACH syndrome 3. Identifiers: MedGen C5436841, MONDO:0030862, OMIM 619113.
Joubert syndrome 7 (JBTS7). Identifiers: Orphanet 220497, MedGen C1969053, MONDO:0012694, OMIM 611560.
Joubert syndrome. Also called: CEREBELLOPARENCHYMAL DISORDER IV; JOUBERT-BOLTSHAUSER SYNDROME; Familial aplasia of the vermis. Identifiers: Orphanet 475, MedGen C5979921, MONDO:0018772.
Meckel-Gruber syndrome. Also called: DYSENCEPHALIA SPLANCHNOCYSTICA; GRUBER SYNDROME; Dysencephalia splachnocystica. Identifiers: Orphanet 564, MedGen C0265215, MONDO:0018921.

gnomAD v4.1: 3 of 1,614,204 alleles (0.00019%); highest among the groups gnomAD compares: Middle Eastern, 0.016%; no homozygotes.

Submissions (2):

Fulgent Genetics
Classification: Uncertain significance for Joubert syndrome 7; Meckel syndrome, type 5; COACH syndrome 3. Last evaluated: 2024-02-14. Review status: criteria provided, single submitter. Criteria: ACMG Guidelines, 2015. Collection method: clinical testing. Allele origin: germline.

Labcorp Genetics (formerly Invitae), Labcorp
Classification: Uncertain significance for Joubert syndrome; Meckel-Gruber syndrome. Last evaluated: 2021-08-20. Review status: criteria provided, single submitter. Criteria: Invitae Variant Classification Sherloc (09022015). Collection method: clinical testing. Allele origin: germline.
Comment: This sequence change replaces glutamine with leucine at codon 147 of the RPGRIP1L protein (p.Gln147Leu). The glutamine residue is moderately conserved and there is a moderate physicochemical difference between glutamine and leucine. This variant is not present in population databases (ExAC no frequency). This variant has not been reported in the literature in individuals affected with RPGRIP1L-related conditions. Algorithms developed to predict the effect of missense changes on protein structure and function (SIFT, PolyPhen-2, Align-GVGD) all suggest that this variant is likely to be tolerated. In summary, the available evidence is currently insufficient to determine the role of this variant in disease. Therefore, it has been classified as a Variant of Uncertain Significance.